The following is an entry in ClinVar:

NM_018112.3(TMEM38B):c.788C>T (p.Pro263Leu)

Gene: TMEM38B (transmembrane protein 38B; plus strand). Cytogenetic location: 9q31.2.
Variant type: single nucleotide variant.
Coding change: c.788C>T on transcript NM_018112.3 (MANE Select); coding-DNA position 788, C replaced by T.
Protein change: p.Pro263Leu; replaces proline 263 with leucine.
Molecular consequence: missense variant.
Genome position (GRCh38, 1-based): chr9:105,773,992, C>T. VCF-style: chr9-105773992-C-T. GRCh37 (hg19) VCF-style: chr9-108536273-C-T.
Other names: short protein forms P263L.
Identifiers: ClinVar variation 2057795 (VCV002057795.4), dbSNP rs1235739140, ClinGen allele CA374379176.

ClinVar aggregate classification (germline): Uncertain significance (1 of 4 stars; one submission).

gnomAD v4.1: 1 of 1,613,786 alleles (0.000062%); highest among the groups gnomAD compares: South Asian, 0.0011%; no homozygotes.

Submission:

Labcorp Genetics (formerly Invitae), Labcorp
Classification: Uncertain significance. Last evaluated: 2022-07-08. Review status: criteria provided, single submitter. Criteria: Invitae Variant Classification Sherloc (09022015). Collection method: clinical testing. Allele origin: germline.
Comment: In summary, the available evidence is currently insufficient to determine the role of this variant in disease. Therefore, it has been classified as a Variant of Uncertain Significance. Algorithms developed to predict the effect of missense changes on protein structure and function (SIFT, PolyPhen-2, Align-GVGD) all suggest that this variant is likely to be tolerated. This variant has not been reported in the literature in individuals affected with TMEM38B-related conditions. This variant is present in population databases (no rsID available, gnomAD 0.003%). This sequence change replaces proline, which is neutral and non-polar, with leucine, which is neutral and non-polar, at codon 263 of the TMEM38B protein (p.Pro263Leu).